The following is an entry in ClinVar:

NM_001042492.3(NF1):c.59_60+4del

Genes: MIR4733HG (MIR4733 host gene; minus strand), NF1 (neurofibromin 1; plus strand), LOC111811965 (NF1 (neurofibromin 1) promoter region; plus strand). Cytogenetic location: 17q11.2.
Variant type: Deletion.
Coding change: c.59_60+4del on transcript NM_001042492.3 (MANE Select); coding-DNA position 59 through 4 bases into the intron after coding-DNA position 60, 6 bases deleted (AGGTAA; older notation c.59_60+4delAGGTAA).
Molecular consequence: splice donor variant. On other transcripts: non-coding transcript variant (1).
Genome position (GRCh38, 1-based): chr17:31,095,368-31,095,373, AGGTAA deleted. VCF-style (leftmost placement, unchanged base first): chr17-31095367-CAGGTAA-C. GRCh37 (hg19) VCF-style: chr17-29422385-CAGGTAA-C.
Other names: c.59_60+4del (NM_000267.4, NM_001128147.3).
Identifiers: ClinVar variation 1066935 (VCV001066935.5), dbSNP rs2143145870, ClinGen allele CA2499223967.

ClinVar aggregate classification (germline): Likely pathogenic (1 of 4 stars; one submission).

Conditions:
Neurofibromatosis, type 1 (NF1). Also called: VON RECKLINGHAUSEN DISEASE; Peripheral type neurofibromatosis; NEUROFIBROMATOSIS, TYPE I, SOMATIC; Neurofibromatosis, type I. Identifiers: Orphanet 636, MedGen C0027831, MONDO:0018975, OMIM 162200. Disease mechanism: loss of function.

Submission:

Labcorp Genetics (formerly Invitae), Labcorp
Classification: Likely pathogenic for Neurofibromatosis, type 1. Last evaluated: 2020-10-19. Review status: criteria provided, single submitter. Criteria: Invitae Variant Classification Sherloc (09022015). Collection method: clinical testing. Allele origin: germline.
Comment: This variant results in the deletion of part of exon 1 (c.59_60+4del) of the NF1 gene. It is expected to disrupt RNA splicing. Variants that disrupt the donor or acceptor splice site typically lead to a loss of protein function (PMID: 16199547), and loss-of-function variants in NF1 are known to be pathogenic (PMID: 10712197, 23913538). The frequency data for this variant in the population databases is considered unreliable, as metrics indicate insufficient coverage at this position in the ExAC database. This variant has not been reported in the literature in individuals with NF1-related conditions. Algorithms developed to predict the effect of sequence changes on RNA splicing suggest that this variant may disrupt the consensus splice site, but this prediction has not been confirmed by published transcriptional studies. In summary, the currently available evidence indicates that the variant is pathogenic, but additional data are needed to prove that conclusively. Therefore, this variant has been classified as Likely Pathogenic.

Literature cited by the submitters: PubMed 16199547; PubMed 10712197; PubMed 23913538.